The following is an entry in ClinVar:

NM_170675.5(MEIS2):c.1418A>C (p.Asp473Ala)

Gene: MEIS2 (Meis homeobox 2; minus strand). Cytogenetic location: 15q14.
Variant type: single nucleotide variant.
Coding change: c.1418A>C on transcript NM_170675.5 (MANE Select); coding-DNA position 1418, A replaced by C.
Protein change: p.Asp473Ala; replaces aspartic acid 473 with alanine.
Molecular consequence: missense variant. On other transcripts: 3 prime UTR variant (5), non-coding transcript variant (1).
Genome position (GRCh38, 1-based): chr15:36,892,189, T>G on the plus strand (A>C on the coding strand, the complement: MEIS2 is on the minus strand). VCF-style: chr15-36892189-T-G. GRCh37 (hg19) VCF-style: chr15-37184390-T-G.
Other names: c.1397A>C, p.Asp466Ala (NM_001220482.2, NM_170676.5); c.*308A>C (NM_002399.4, NM_170674.5, NM_170677.5 and 2 more transcripts); short protein forms D466A, D473A.
Identifiers: ClinVar variation 4074748 (VCV004074748.1).

ClinVar aggregate classification (germline): Uncertain significance (1 of 4 stars; one submission).

Conditions:
Cardiac malformation, cleft lip/palate, microcephaly, and digital anomalies. Also called: CLEFT PALATE, CARDIAC DEFECTS, AND IMPAIRED INTELLECTUAL DEVELOPMENT. Identifiers: MedGen C1832950, MONDO:0010970, OMIM 600987.

Submission:

Institute of Immunology and Genetics Kaiserslautern
Classification: Uncertain significance for Cardiac malformation, cleft lip/palate, microcephaly, and digital anomalies. Last evaluated: 2025-05-07. Review status: criteria provided, single submitter. Criteria: ACMG Guidelines, 2015. Collection method: clinical testing. Allele origin: germline.
Comment: ACMG Criteria: PM2, PP3; Variant was found in heterozygous state.